The following is an entry in ClinVar:

ClinVar aggregate classification (germline): Uncertain significance (1 of 4 stars; one submission).

Conditions:
Hereditary cancer-predisposing syndrome. Also called: Hereditary Cancer Syndrome; Hereditary neoplastic syndrome; Tumor predisposition; Neoplastic Syndromes, Hereditary. Identifiers: Orphanet 140162, MedGen C0027672, MeSH D009386, MONDO:0015356.

Submission:

Ambry Genetics
Classification: Uncertain significance for Hereditary cancer-predisposing syndrome. Last evaluated: 2021-10-26. Review status: criteria provided, single submitter. Criteria: Ambry Variant Classification Scheme 2023. Collection method: clinical testing. Allele origin: germline.
Comment: The p.D765A variant (also known as c.2294A>C), located in coding exon 14 of the DICER1 gene, results from an A to C substitution at nucleotide position 2294. The aspartic acid at codon 765 is replaced by alanine, an amino acid with dissimilar properties. This amino acid position is not well conserved in available vertebrate species. In addition, this alteration is predicted to be tolerated by in silico analysis. Since supporting evidence is limited at this time, the clinical significance of this alteration remains unclear.

NM_177438.3(DICER1):c.2294A>C (p.Asp765Ala)

Gene: DICER1 (dicer 1, ribonuclease III; minus strand). Cytogenetic location: 14q32.13.
Variant type: single nucleotide variant.
Coding change: c.2294A>C on transcript NM_177438.3 (MANE Select); coding-DNA position 2294, A replaced by C.
Protein change: p.Asp765Ala; replaces aspartic acid 765 with alanine.
Molecular consequence: missense variant. On other transcripts: non-coding transcript variant (6).
Genome position (GRCh38, 1-based): chr14:95,108,466, T>G on the plus strand (A>C on the coding strand, the complement: DICER1 is on the minus strand). VCF-style: chr14-95108466-T-G. GRCh37 (hg19) VCF-style: chr14-95574803-T-G.
Other names: c.2294A>C, p.Asp765Ala (NM_001195573.1, NM_001271282.3, NM_001291628.2 and 13 more transcripts); c.2012A>C, p.Asp671Ala (NM_001395686.1); c.1889A>C, p.Asp630Ala (NM_001395687.1, NM_001395688.1, NM_001395689.1 and 2 more transcripts); c.1727A>C, p.Asp576Ala (NM_001395691.1); c.611A>C, p.Asp204Ala (NM_001395697.1); short protein forms D204A, D671A, D630A, D765A, D576A.
Identifiers: ClinVar variation 1789144 (VCV001789144.2), dbSNP rs2542856937, ClinGen allele CA390882359.
Genomic context (GRCh38, chr14:95,108,466, plus strand): 5'-AGTTCATCAGGTAAAGGTGTAGTTAAAACCATTCCTATCACATACAGGTAACAGGGCTGA[T>G]CAGGTCTGGGATAACTATCCCTCAAACACTCTGGAATCTAGAGTTGGAAAGGAAAATTAA-3'
Protein context (NP_803187.1, residues 755-775): ECLRDSYPRP[Asp765Ala]QPCYLYVIGM